The following is an entry in ClinVar:

NM_022124.6(CDH23):c.8823C>T (p.Asn2941=)

Gene: CDH23 (cadherin related 23; plus strand). Cytogenetic location: 10q22.1.
Variant type: single nucleotide variant.
Coding change: c.8823C>T on transcript NM_022124.6 (MANE Select); coding-DNA position 8823, C replaced by T.
Protein change: p.Asn2941=; no amino-acid change (asparagine 2941 retained).
Molecular consequence: synonymous variant.
Genome position (GRCh38, 1-based): chr10:71,809,920, C>T. VCF-style: chr10-71809920-C-T. GRCh37 (hg19) VCF-style: chr10-73569677-C-T.
Other names: c.2103C>T, p.Asn701= (NM_001171933.1, NM_001171934.1).
Identifiers: ClinVar variation 162948 (VCV000162948.47), dbSNP rs370184182, ClinGen allele CA175526.

ClinVar aggregate classification (germline): Conflicting classifications of pathogenicity. Review status: criteria provided, conflicting classifications (1 of 4 stars). 9 submissions from 8 submitters: Uncertain significance (2); Benign (1); Likely benign (4). 2 of the submissions do not count toward it. Last evaluated 2026-01-28.

Conditions:
Autosomal recessive nonsyndromic hearing loss 12. Also called: DEAFNESS, AUTOSOMAL RECESSIVE 12. Identifiers: Orphanet 90636, MedGen C1832394, MONDO:0011067, OMIM 601386.
Usher syndrome type 1D (USH1D). Also called: USHER SYNDROME, TYPE ID. Identifiers: Orphanet 231169, Orphanet 886, MedGen C1832845, MONDO:0010984, OMIM 601067.

Allele frequency attached by ClinVar (database versions not stated): 1000 Genomes Project 30x 0.00016; 1000 Genomes Project 0.00020; gnomAD 0.00039 and 0.00041; TOPMed 0.00041; ESP Exome Variant Server 0.00047; gnomAD exomes 0.00048 and 0.00057; ExAC 0.00061.
gnomAD v4.1: 881 of 1,613,036 alleles (0.055%); highest among the groups gnomAD compares: Non-Finnish European, 0.069%; 1 homozygote.

Submissions (9):

Labcorp Genetics (formerly Invitae), Labcorp
Classification: Benign. Last evaluated: 2026-01-28. Review status: criteria provided, single submitter. Criteria: Invitae Variant Classification Sherloc (09022015). Collection method: clinical testing. Allele origin: germline.

Blueprint Genetics
Classification: Likely benign. Last evaluated: 2024-10-29. Review status: criteria provided, single submitter. Criteria: ACMG Guidelines, 2015. Collection method: clinical testing. Allele origin: germline.

CeGaT Center for Human Genetics Tuebingen
Classification: Likely benign. Last evaluated: 2023-10-01. Review status: criteria provided, single submitter. Criteria: CeGaT Center For Human Genetics Tuebingen Variant Classification Criteria Version 2. Collection method: clinical testing. Allele origin: germline. Affected: yes. Observed: 2 variant alleles.
Comment: CDH23: BP4, BP7

GeneDx
Classification: Likely benign. Last evaluated: 2021-01-09. Review status: criteria provided, single submitter. Criteria: GeneDx Variant Classification Process June 2021. Collection method: clinical testing. Allele origin: germline. Affected: yes.

Illumina Laboratory Services, Illumina
Classification: Uncertain significance for Usher syndrome type 1D. Last evaluated: 2018-01-13. Review status: criteria provided, single submitter. Criteria: ICSL Variant Classification Criteria 13 December 2019. Collection method: clinical testing. Allele origin: germline.

Illumina Laboratory Services, Illumina
Classification: Uncertain significance for Autosomal recessive nonsyndromic hearing loss 12. Last evaluated: 2018-01-13. Review status: criteria provided, single submitter. Criteria: ICSL Variant Classification Criteria 13 December 2019. Collection method: clinical testing. Allele origin: germline.

Laboratory for Molecular Medicine, Mass General Brigham Personalized Medicine
Classification: Likely benign. Last evaluated: 2017-03-28. Review status: criteria provided, single submitter. Criteria: LMM Criteria. Collection method: clinical testing. Allele origin: germline. Observed: 2 variant alleles.
Comment: p.Asn2941Asn in exon 61 of CDH23: This variant is not expected to have clinical significance because it does not alter an amino acid residue, is not located wit hin the splice consensus sequence, and has been identified in 65/66438 European chromosomes by the Exome Aggregation Consortium (ExAC; dbSNP rs370184182).

Clinical Genetics DNA and cytogenetics Diagnostics Lab, Erasmus MC, Erasmus Medical Center
Classification: Likely benign. Review status: no assertion criteria provided. Collection method: clinical testing. Allele origin: germline. Affected: yes. Study: VKGL Data-share Consensus. Not counted in ClinVar's aggregate classification.

Clinical Genetics, Academic Medical Center
Classification: Benign. Review status: no assertion criteria provided. Collection method: clinical testing. Allele origin: germline. Affected: yes. Study: VKGL Data-share Consensus. Not counted in ClinVar's aggregate classification.